The following is an entry in ClinVar:

ClinVar aggregate classification (germline): Uncertain significance. Review status: criteria provided, multiple submitters, no conflicts (2 of 4 stars). 12 submissions from 12 submitters: Uncertain significance (11). 1 of the submissions does not count toward it. Last evaluated 2026-05-15.

Conditions:
RAD51D-related disorder. Also called: RAD51D-related condition.
Hereditary cancer-predisposing syndrome. Also called: Neoplastic Syndromes, Hereditary; Tumor predisposition; Hereditary neoplastic syndrome; Hereditary Cancer Syndrome. Identifiers: Orphanet 140162, MedGen C0027672, MeSH D009386, MONDO:0015356.
Breast-ovarian cancer, familial, susceptibility to, 4. Identifiers: Orphanet 145, MedGen C3280345, MONDO:0013669, OMIM 614291.

Allele frequency attached by ClinVar (database versions not stated): gnomAD exomes 0.00001; TOPMed 0.00001.
gnomAD v4.1: 17 of 1,614,048 alleles (0.0011%); highest among the groups gnomAD compares: Non-Finnish European, 0.0014%; no homozygotes.

Submissions (12):

PreventionGenetics, part of Exact Sciences
Classification: Uncertain significance for RAD51D-related condition. Last evaluated: 2026-05-15. Review status: criteria provided, single submitter. Criteria: ACMG Guidelines, 2015. Collection method: clinical testing. Allele origin: germline.
Comment: The RAD51D c.349T>A variant is predicted to result in the amino acid substitution p.Cys117Ser. This variant was reported in individuals with breast and ovarian cancer (Table A4, Song et al. 2015. PubMed ID: 26261251; Tung et al. 2014. PubMed ID: 25186627). This variant has not been reported in a large population database (gnomad), indicating this variant is rare. This variant is reported with uncertain significance in ClinVar (Variation ID: 184247). At this time, the clinical significance of this variant is uncertain due to the absence of conclusive functional and genetic evidence.

Labcorp Genetics (formerly Invitae), Labcorp
Classification: Uncertain significance for Breast-ovarian cancer, familial, susceptibility to, 4. Last evaluated: 2026-01-19. Review status: criteria provided, single submitter. Criteria: Invitae Variant Classification Sherloc (09022015). Collection method: clinical testing. Allele origin: germline.
Comment: This sequence change replaces cysteine, which is neutral and slightly polar, with serine, which is neutral and polar, at codon 117 of the RAD51D protein (p.Cys117Ser). This variant is not present in population databases (gnomAD no frequency). This missense change has been observed in individual(s) with breast cancer and ovarian cancer (PMID: 25186627, 26261251). ClinVar contains an entry for this variant (Variation ID: 184247). Invitae Evidence Modeling of protein sequence and biophysical properties (such as structural, functional, and spatial information, amino acid conservation, physicochemical variation, residue mobility, and thermodynamic stability) indicates that this missense variant is not expected to disrupt RAD51D protein function with a negative predictive value of 80%. Studies have shown that this missense change is associated with inconclusive levels of altered splicing (PMID: 28905878; internal data). In summary, the available evidence is currently insufficient to determine the role of this variant in disease. Therefore, it has been classified as a Variant of Uncertain Significance.

Women's Health and Genetics/Laboratory Corporation of America, LabCorp
Classification: Uncertain significance. Last evaluated: 2025-03-31. Review status: criteria provided, single submitter. Criteria: LabCorp Variant Classification Summary - May 2015. Collection method: clinical testing. Allele origin: germline.
Comment: Variant summary: RAD51D c.349T>A (p.Cys117Ser) results in a non-conservative amino acid change located in the DNA recombination and repair protein Rad51-like, C-terminal (IPR003593) of the encoded protein sequence. Four of five in-silico tools predict a damaging effect of the variant on protein function. The variant was absent in 251350 control chromosomes. The available data on variant occurrences in the general population are insufficient to allow any conclusion about variant significance. c.349T>A has been reported in the literature in individuals affected with Hereditary Breast And Ovarian Cancer Syndrome (Tung_2015, Song_2015). These report(s) do not provide unequivocal conclusions about association of the variant with Hereditary Breast And Ovarian Cancer Syndrome. To our knowledge, no experimental evidence demonstrating an impact on protein function has been reported. The following publications have been ascertained in the context of this evaluation (PMID: 26261251, 25186627). ClinVar contains an entry for this variant (Variation ID: 184247). Based on the evidence outlined above, the variant was classified as uncertain significance.

Ambry Genetics
Classification: Uncertain significance for Hereditary cancer-predisposing syndrome. Last evaluated: 2025-01-21. Review status: criteria provided, single submitter. Criteria: Ambry Variant Classification Scheme 2023. Collection method: clinical testing. Allele origin: germline.
Comment: The p.C117S variant (also known as c.349T>A), located in coding exon 5 of the RAD51D gene, results from a T to A substitution at nucleotide position 349. The cysteine at codon 117 is replaced by serine, an amino acid with dissimilar properties. In one study, this alteration was detected in 1/3429 patients with invasive epithelial ovarian cancer and 0/2772 controls (Song H et al. J. Clin. Oncol. 2015 Sep;33:2901-7). This alteration has also been detected in 1/1781 individuals with a breast cancer diagnosis (Tung N. Cancer. 2015 Jan;121(1):25-33). In addition, this alteration was reported in 4/60,466 breast cancer cases and in 2/53,461 controls (Dorling et al. N Engl J Med. 2021 02;384:428-439). This amino acid position is highly conserved in available vertebrate species. In addition, this alteration is predicted to be deleterious by in silico analysis. Based on the available evidence, the clinical significance of this variant remains unclear.

GeneDx
Classification: Uncertain significance. Last evaluated: 2024-07-12. Review status: criteria provided, single submitter. Criteria: GeneDx Variant Classification Process June 2021. Collection method: clinical testing. Allele origin: germline. Affected: yes.
Comment: Observed in individuals with breast or ovarian cancer, but also seen in unaffected controls (PMID: 26261251, 25186627, 33471991); In silico analysis supports that this missense variant has a deleterious effect on protein structure/function; Not observed at significant frequency in large population cohorts (gnomAD); This variant is associated with the following publications: (PMID: 26261251, 25186627, 21111057, 14704354, 19327148, 33471991)

Fulgent Genetics
Classification: Uncertain significance for Breast-ovarian cancer, familial, susceptibility to, 4. Last evaluated: 2024-06-20. Review status: criteria provided, single submitter. Criteria: ACMG Guidelines, 2015. Collection method: clinical testing. Allele origin: germline.

Baylor Genetics
Classification: Uncertain significance for Breast-ovarian cancer, familial, susceptibility to, 4. Last evaluated: 2024-03-25. Review status: criteria provided, single submitter. Criteria: ACMG Guidelines, 2015. Collection method: clinical testing. Allele origin: unknown.

Myriad Genetics, Inc.
Classification: Uncertain significance for Breast-ovarian cancer, familial, susceptibility to, 4. Last evaluated: 2023-04-06. Review status: criteria provided, single submitter. Criteria: Myriad Autosomal Dominant, Autosomal Recessive and X-Linked Classification Criteria (2023). Collection method: clinical testing. Allele origin: unknown.
Comment: This variant is classified as a variant of uncertain significance as there is insufficient evidence to determine its impact on protein function and/or cancer risk.

Color Diagnostics, LLC DBA Color Health
Classification: Uncertain significance for Hereditary cancer-predisposing syndrome. Last evaluated: 2022-12-06. Review status: criteria provided, single submitter. Criteria: ACMG Guidelines, 2015. Collection method: clinical testing. Allele origin: germline.
Comment: This missense variant replaces cysteine with serine at codon 117 of the RAD51D protein. Computational prediction suggests that this variant may not impact protein structure and function (internally defined REVEL score threshold <= 0.5, PMID: 27666373). To our knowledge, functional studies have not been reported for this variant. This variant has been reported in individuals affected with breast cancer or ovarian cancer (PMID: 25186627, 26261251). This variant has not been identified in the general population by the Genome Aggregation Database (gnomAD). The available evidence is insufficient to determine the role of this variant in disease conclusively. Therefore, this variant is classified as a Variant of Uncertain Significance.

Blueprint Genetics
Classification: Uncertain significance. Last evaluated: 2022-07-12. Review status: criteria provided, single submitter. Criteria: ACMG Guidelines, 2015. Collection method: clinical testing. Allele origin: germline.

Sema4
Classification: Uncertain significance for Hereditary cancer-predisposing syndrome. Last evaluated: 2022-03-01. Review status: criteria provided, single submitter. Criteria: Sema4 Curation Guidelines. Collection method: curation. Allele origin: germline.
Comment: The RAD51D c.349T>A (p.C117S) variant has been reported in heterozygosity in one individual with breast cancer and one individual with ovarian cancer (PMID: 25186627, 26261251). It has been reported in a large case-control study of breast cancer in 4/60466 cases and in 2/53461 controls (PMID: 33471991). This variant is not reported in the population database Genome Aggregation Database (PMID: 32461654). This variant has been reported in ClinVar (Variation ID: 184247). Functional studies have not been performed, and in silico predictions of the variant's effect on protein function are inconclusive. The evidence is insufficient to meet ACMG/AMP criteria for classifying the variant as benign or pathogenic. Thus, the clinical significance of this variant is currently uncertain.

Counsyl
Classification: Uncertain significance for Breast-ovarian cancer, familial, susceptibility to, 4. Last evaluated: 2016-08-22. Review status: no assertion criteria provided. Collection method: clinical testing. Allele origin: unknown. Not counted in ClinVar's aggregate classification.

Literature cited by the submitters: PubMed 25186627 (cited by 5 submitters); PubMed 26261251 (cited by 6 submitters); PubMed 28905878 (cited by Labcorp Genetics (formerly Invitae), Labcorp); PubMed 33471991 (cited by Sema4).

NM_002878.4(RAD51D):c.349T>A (p.Cys117Ser)

Genes: RAD51D (RAD51 paralog D; minus strand), RAD51L3-RFFL (RAD51L3-RFFL readthrough; minus strand). Cytogenetic location: 17q12.
Variant type: single nucleotide variant.
Coding change: c.349T>A on transcript NM_002878.4 (MANE Select); coding-DNA position 349, T replaced by A.
Protein change: p.Cys117Ser; replaces cysteine 117 with serine.
Molecular consequence: missense variant. On other transcripts: non-coding transcript variant (1), intron variant (1).
Genome position (GRCh38, 1-based): chr17:35,107,119, A>T on the plus strand (T>A on the coding strand, the complement: RAD51D is on the minus strand). VCF-style: chr17-35107119-A-T. GRCh37 (hg19) VCF-style: chr17-33434138-A-T.
Other names: c.409T>A, p.Cys137Ser (NM_001142571.2); c.145-638T>A (NM_133629.3); short protein forms C117S, C137S.
Identifiers: ClinVar variation 184247 (VCV000184247.35), dbSNP rs786201358, ClinGen allele CA188348.
Genomic context (GRCh38, chr17:35,107,119, plus strand): 5'-AATCTACATATAGGACGTTTTGCTGCAGGCCATGGGCCACATTTGCTGCCATACAGAGAC[A>T]TACCTGGGGGTGGGGGCATTGGATGAACTTGACACTTCAGAGAGGGTCCAGATGGGAGCT-3'
Protein context (NP_002869.3, residues 107-127): GGPGSGKTQV[Cys117Ser]LCMAANVAHG